The following is an entry in ClinVar:

ClinVar aggregate classification (germline): Uncertain significance. Review status: criteria provided, multiple submitters, no conflicts (2 of 4 stars). 2 submissions from 2 submitters: Uncertain significance (2). Last evaluated 2025-07-01.

Conditions:
Familial sleep-related hypermotor epilepsy. Also called: Autosomal Dominant Sleep-Related Hypermotor (Hyperkinetic) Epilepsy. Identifiers: Orphanet 98784, MedGen C3696898, MONDO:0000030.

Allele frequency attached by ClinVar (database versions not stated): TOPMed below 0.00001; ExAC 0.00001; gnomAD 0.00001; gnomAD exomes 0.00001.
gnomAD v4.1: 13 of 1,613,998 alleles (0.00081%); highest among the groups gnomAD compares: African/African-American, 0.004%; no homozygotes.

Submissions (2):

CeGaT Center for Human Genetics Tuebingen
Classification: Uncertain significance. Last evaluated: 2025-07-01. Review status: criteria provided, single submitter. Criteria: CeGaT Center For Human Genetics Tuebingen Variant Classification Criteria Version 2. Collection method: clinical testing. Allele origin: germline. Affected: yes. Observed: 1 variant allele.
Comment: CHRNB2: PP3

Labcorp Genetics (formerly Invitae), Labcorp
Classification: Uncertain significance. Last evaluated: 2024-04-20. Review status: criteria provided, single submitter. Criteria: Invitae Variant Classification Sherloc (09022015). Collection method: clinical testing. Allele origin: germline.
Comment: This sequence change replaces arginine, which is basic and polar, with tryptophan, which is neutral and slightly polar, at codon 73 of the CHRNB2 protein (p.Arg73Trp). This variant is present in population databases (rs771286419, gnomAD 0.004%). This variant has not been reported in the literature in individuals affected with CHRNB2-related conditions. ClinVar contains an entry for this variant (Variation ID: 949919). Advanced modeling of protein sequence and biophysical properties (such as structural, functional, and spatial information, amino acid conservation, physicochemical variation, residue mobility, and thermodynamic stability) performed at Invitae indicates that this missense variant is expected to disrupt CHRNB2 protein function with a positive predictive value of 80%. In summary, the available evidence is currently insufficient to determine the role of this variant in disease. Therefore, it has been classified as a Variant of Uncertain Significance.

NM_000748.3(CHRNB2):c.217C>T (p.Arg73Trp)

Gene: CHRNB2 (cholinergic receptor nicotinic beta 2 subunit; plus strand). Cytogenetic location: 1q21.3.
Variant type: single nucleotide variant.
Coding change: c.217C>T on transcript NM_000748.3 (MANE Select); coding-DNA position 217, C replaced by T.
Protein change: p.Arg73Trp; replaces arginine 73 with tryptophan.
Molecular consequence: missense variant.
Genome position (GRCh38, 1-based): chr1:154,569,798, C>T. VCF-style: chr1-154569798-C-T. GRCh37 (hg19) VCF-style: chr1-154542274-C-T.
Other names: short protein forms R73W.
Identifiers: ClinVar variation 949919 (VCV000949919.17), dbSNP rs771286419, ClinGen allele CA1130661.